The following is an entry in ClinVar:

ClinVar aggregate classification (germline): Uncertain significance. Review status: criteria provided, multiple submitters, no conflicts (2 of 4 stars). 2 submissions from 2 submitters: Uncertain significance (2). Last evaluated 2021-12-23.

Conditions:
Hereditary cancer-predisposing syndrome. Also called: Tumor predisposition; Hereditary Cancer Syndrome; Hereditary neoplastic syndrome; Neoplastic Syndromes, Hereditary. Identifiers: Orphanet 140162, MedGen C0027672, MeSH D009386, MONDO:0015356.

Submissions (2):

Sema4
Classification: Uncertain significance for Hereditary cancer-predisposing syndrome. Last evaluated: 2021-12-23. Review status: criteria provided, single submitter. Criteria: Sema4 Curation Guidelines. Collection method: curation. Allele origin: germline.
Comment: The PMS2 c.482A>G (p.Q161R) variant has not been reported in the literature to our knowledge. It was not observed in the large and broad cohorts of the Genome Aggregation Database. The variant has been reported in ClinVar (Variation ID 486930). Functional studies have not been performed, and in silico predictions of the variant's effect on protein function are inconclusive. The evidence is insufficient to meet ACMG/AMP criteria for classifying the variant as benign or pathogenic. Thus, the clinical significance of this variant is currently uncertain.

Ambry Genetics
Classification: Uncertain significance for Hereditary cancer-predisposing syndrome. Last evaluated: 2016-05-23. Review status: criteria provided, single submitter. Criteria: Ambry Variant Classification Scheme 2023. Collection method: clinical testing. Allele origin: germline.
Comment: The p.Q161R variant (also known as c.482A>G), located in coding exon 5 of the PMS2 gene, results from an A to G substitution at nucleotide position 482. The glutamine at codon 161 is replaced by arginine, an amino acid with highly similar properties. This variant was not reported in population based cohorts in the following databases: Database of Single Nucleotide Polymorphisms (dbSNP), NHLBI Exome Sequencing Project (ESP), and 1000 Genomes Project. In the ESP, this variant was not observed in 6503 samples (13006 alleles) with coverage at this position. To date, this alteration has been detected with an allele frequency of approximately 0.001% (greater than 150000 alleles tested) in our clinical cohort. This amino acid position is well conserved in available vertebrate species. In addition, the in silico prediction for this alteration is inconclusive. Since supporting evidence is limited at this time, the clinical significance of this alteration remains unclear.

NM_000535.7(PMS2):c.482A>G (p.Gln161Arg)

Gene: PMS2 (PMS1 homolog 2, mismatch repair system component; minus strand). Cytogenetic location: 7p22.1.
Variant type: single nucleotide variant.
Coding change: c.482A>G on transcript NM_000535.7 (MANE Select); coding-DNA position 482, A replaced by G.
Protein change: p.Gln161Arg; replaces glutamine 161 with arginine.
Molecular consequence: missense variant. On other transcripts: 5 prime UTR variant (2), non-coding transcript variant (1).
Genome position (GRCh38, 1-based): chr7:6,002,508, T>C on the plus strand (A>G on the coding strand, the complement: PMS2 is on the minus strand). VCF-style: chr7-6002508-T-C. GRCh37 (hg19) VCF-style: chr7-6042139-T-C.
Other names: c.77A>G, p.Gln26Arg (NM_001322003.2, NM_001322004.2, NM_001322005.2 and 3 more transcripts); c.482A>G, p.Gln161Arg (NM_001322006.2, NM_001322014.2); c.164A>G, p.Gln55Arg (NM_001322007.2, NM_001322008.2); c.-403A>G (NM_001322011.2, NM_001322012.2); c.173A>G, p.Gln58Arg (NM_001322015.2); short protein forms Q161R, Q58R, Q55R, Q26R.
Identifiers: ClinVar variation 486930 (VCV000486930.6), dbSNP rs1554303917, ClinGen allele CA366744265.
Genomic context (GRCh38, chr7:6,002,508, plus strand): 5'-TGTACCTTCTTAATATTCCTTTGAAATTCCTTATGGCGCACAGGTAGTGTGGAAAATAAC[T>C]GCTGCACGCTGACTGTGGTCCCTCTGGGGCGGGGGTAGGGGGTTTTCTGGATAATTTTCC-3'
Protein context (NP_000526.2, residues 151-171): RPRGTTVSVQ[Gln161Arg]LFSTLPVRHK